The following is an entry in ClinVar:

ClinVar aggregate classification (germline): Uncertain significance (1 of 4 stars; one submission).

Conditions:
SET-related disorder. Also called: SET-related condition.

Submission:

PreventionGenetics, part of Exact Sciences
Classification: Uncertain significance for SET-related condition. Last evaluated: 2024-10-16. Review status: criteria provided, single submitter. Criteria: ACMG Guidelines, 2015. Collection method: clinical testing. Allele origin: germline.
Comment: The SET c.566A>G variant is predicted to result in the amino acid substitution p.Lys189Arg. To our knowledge, this variant has not been reported in the literature or in a large population database (gnomAD), indicating this variant is rare. At this time, the clinical significance of this variant is uncertain due to the absence of conclusive functional and genetic evidence.

NM_003011.4(SET):c.527A>G (p.Lys176Arg)

Gene: SET (SET nuclear proto-oncogene; plus strand). Cytogenetic location: 9q34.11.
Variant type: single nucleotide variant.
Coding change: c.527A>G on transcript NM_003011.4 (MANE Select); coding-DNA position 527, A replaced by G.
Protein change: p.Lys176Arg; replaces lysine 176 with arginine.
Molecular consequence: missense variant.
Genome position (GRCh38, 1-based): chr9:128,693,672, A>G. VCF-style: chr9-128693672-A-G. GRCh37 (hg19) VCF-style: chr9-131455951-A-G.
Other names: c.566A>G, p.Lys189Arg (NM_001122821.2, NM_001374326.1); c.500A>G, p.Lys167Arg (NM_001248000.2); c.494A>G, p.Lys165Arg (NM_001248001.2); short protein forms K167R, K165R, K176R, K189R.
Identifiers: ClinVar variation 5000089 (VCV005000089.1).